The following is an entry in ClinVar:

ClinVar aggregate classification (germline): Uncertain significance. Review status: criteria provided, multiple submitters, no conflicts (2 of 4 stars). 2 submissions from 2 submitters: Uncertain significance (2). Last evaluated 2021-05-17.

Conditions:
Dilated cardiomyopathy 1EE (CMD1EE). Identifiers: Orphanet 154, MedGen C2750466, MONDO:0013198, OMIM 613252.
Hypertrophic cardiomyopathy 14. Identifiers: MedGen C2750467, MONDO:0013197, OMIM 613251.
Atrial septal defect 3 (ASD3). Identifiers: Orphanet 1478, MedGen C3279790, MONDO:0013567, OMIM 614089.
Sick sinus syndrome 3, susceptibility to (SSS3). Identifiers: Orphanet 166282, MedGen C3279791, MONDO:0013568, OMIM 614090.

Allele frequency attached by ClinVar (database versions not stated): gnomAD exomes below 0.00001.
gnomAD v4.1: 2 of 1,614,190 alleles (0.00012%); highest among the groups gnomAD compares: East Asian, 0.0022%; no homozygotes.

Submissions (2):

Labcorp Genetics (formerly Invitae), Labcorp
Classification: Uncertain significance for Hypertrophic cardiomyopathy 14. Last evaluated: 2021-05-17. Review status: criteria provided, single submitter. Criteria: Invitae Variant Classification Sherloc (09022015). Collection method: clinical testing. Allele origin: germline.
Comment: In summary, the available evidence is currently insufficient to determine the role of this variant in disease. Therefore, it has been classified as a Variant of Uncertain Significance. Algorithms developed to predict the effect of missense changes on protein structure and function (SIFT, PolyPhen-2, Align-GVGD) all suggest that this variant is likely to be tolerated, but these predictions have not been confirmed by published functional studies and their clinical significance is uncertain. This variant has not been reported in the literature in individuals with MYH6-related conditions. This variant is not present in population databases (ExAC no frequency). This sequence change replaces valine with methionine at codon 893 of the MYH6 protein (p.Val893Met). The valine residue is weakly conserved and there is a small physicochemical difference between valine and methionine.

Juno Genomics, Hangzhou Juno Genomics, Inc
Classification: Uncertain significance for Atrial septal defect 3; Sick sinus syndrome 3, susceptibility to; Dilated cardiomyopathy 1EE; Hypertrophic cardiomyopathy 14. Review status: criteria provided, single submitter. Criteria: ACMG Guidelines, 2015. Collection method: clinical testing. Allele origin: germline.
Comment: Absent from controls (or at extremely low frequency if recessive) in Genome Aggregation Database.;Missense variant in a gene that has a low rate of benign missense variation.

NM_002471.4(MYH6):c.2677G>A (p.Val893Met)

Gene: MYH6 (myosin heavy chain 6; minus strand). Cytogenetic location: 14q11.2.
Variant type: single nucleotide variant.
Coding change: c.2677G>A on transcript NM_002471.4 (MANE Select); coding-DNA position 2677, G replaced by A.
Protein change: p.Val893Met; replaces valine 893 with methionine.
Molecular consequence: missense variant.
Genome position (GRCh38, 1-based): chr14:23,394,076, C>T on the plus strand (G>A on the coding strand, the complement: MYH6 is on the minus strand). VCF-style: chr14-23394076-C-T. GRCh37 (hg19) VCF-style: chr14-23863285-C-T.
Other names: short protein forms V893M.
Identifiers: ClinVar variation 1354566 (VCV001354566.10), dbSNP rs1462413168, ClinGen allele CA389013679.